The following is an entry in ClinVar:

ClinVar aggregate classification (germline): Likely pathogenic (1 of 4 stars; one submission).

Conditions:
Ullrich congenital muscular dystrophy 2 (UCMD2). Identifiers: Orphanet 75840, MedGen C4225314, MONDO:0014654, OMIM 616470.
Bethlem myopathy 2 (BTHLM2). Identifiers: Orphanet 536516, Orphanet 610, MedGen C4225313, MONDO:0034022, OMIM 616471.

Submission:

Labcorp Genetics (formerly Invitae), Labcorp
Classification: Likely pathogenic for Bethlem myopathy 2; Ullrich congenital muscular dystrophy 2. Last evaluated: 2025-11-09. Review status: criteria provided, single submitter. Criteria: Invitae Variant Classification Sherloc (09022015). Collection method: clinical testing. Allele origin: germline.
Comment: This sequence change affects a donor splice site in intron 21 of the COL12A1 gene. It is expected to disrupt RNA splicing. Variants that disrupt the donor or acceptor splice site typically lead to a loss of protein function (PMID: 16199547), and loss-of-function variants in COL12A1 are known to be pathogenic (PMID: 24334604, 28973083). This variant is not present in population databases (gnomAD no frequency). This variant has not been reported in the literature in individuals affected with COL12A1-related conditions. Algorithms developed to predict the effect of sequence changes on RNA splicing suggest that this variant may disrupt the consensus splice site. In summary, the currently available evidence indicates that the variant is pathogenic, but additional data are needed to prove that conclusively. Therefore, this variant has been classified as Likely Pathogenic.

Literature cited by the submitters: PubMed 16199547; PubMed 24334604; PubMed 28973083.

NM_004370.6(COL12A1):c.4147+1G>C

Gene: COL12A1 (collagen type XII alpha 1 chain; minus strand). Cytogenetic location: 6q13.
Variant type: single nucleotide variant.
Coding change: c.4147+1G>C on transcript NM_004370.6 (MANE Select); the canonical splice donor site of the intron after coding-DNA position 4147, G replaced by C.
Molecular consequence: splice donor variant.
Genome position (GRCh38, 1-based): chr6:75,151,140, C>G on the plus strand (G>C on the coding strand, the complement: COL12A1 is on the minus strand). VCF-style: chr6-75151140-C-G. GRCh37 (hg19) VCF-style: chr6-75860856-C-G.
Other names: c.655+1G>C (NM_001424116.1, NM_080645.3); c.3874+1G>C (NM_001424115.1); c.4147+1G>C (NM_001424114.1, NM_001424113.1).
Identifiers: ClinVar variation 4786656 (VCV004786656.1).